The following is an entry in ClinVar:

ClinVar aggregate classification (germline): Uncertain significance (1 of 4 stars; one submission).

Conditions:
Hereditary sensory and autonomic neuropathy type 6. Also called: Neuropathy, hereditary sensory and autonomic, type VI; HSAN VI. Identifiers: Orphanet 314381, MedGen C3539003, MONDO:0013839, OMIM 614653.
Epidermolysis bullosa simplex 3, localized or generalized intermediate, with BP230 deficiency (EBS3). Also called: Epidermolysis bullosa simplex, autosomal recessive 2; Epidermolysis bullosa simplex due to BP230 deficiency. Identifiers: Orphanet 412181, MedGen C3809470, MONDO:0014180, OMIM 615425.

Allele frequency attached by ClinVar (database versions not stated): gnomAD exomes 0.00001; TOPMed 0.00002.
gnomAD v4.1: 13 of 1,593,316 alleles (0.00082%); highest among the groups gnomAD compares: Non-Finnish European, 0.001%; no homozygotes.

Submission:

Labcorp Genetics (formerly Invitae), Labcorp
Classification: Uncertain significance for Epidermolysis bullosa simplex 3, localized or generalized intermediate, with BP230 deficiency; Hereditary sensory and autonomic neuropathy type 6. Last evaluated: 2022-07-25. Review status: criteria provided, single submitter. Criteria: Invitae Variant Classification Sherloc (09022015). Collection method: clinical testing. Allele origin: germline.
Comment: This variant has not been reported in the literature in individuals affected with DST-related conditions. In summary, the available evidence is currently insufficient to determine the role of this variant in disease. Therefore, it has been classified as a Variant of Uncertain Significance. The frequency data for this variant in the population databases is considered unreliable, as metrics indicate poor data quality at this position in the gnomAD database. This sequence change replaces glutamic acid, which is acidic and polar, with glycine, which is neutral and non-polar, at codon 3085 of the DST protein (p.Glu3085Gly). The DST gene has multiple clinically relevant transcripts. This variant occurs in alternate transcript NM_015548.4, and corresponds to NM_001723.5:c.*85398A>G in the primary transcript.

NM_001374736.1(DST):c.17123A>G (p.Glu5708Gly)

Gene: DST (dystonin; minus strand). Cytogenetic location: 6p12.1.
Variant type: single nucleotide variant.
Coding change: c.17123A>G on transcript NM_001374736.1 (MANE Select); coding-DNA position 17123, A replaced by G.
Protein change: p.Glu5708Gly; replaces glutamic acid 5708 with glycine.
Molecular consequence: missense variant.
Genome position (GRCh38, 1-based): chr6:56,530,119, T>C on the plus strand (A>G on the coding strand, the complement: DST is on the minus strand). VCF-style: chr6-56530119-T-C. GRCh37 (hg19) VCF-style: chr6-56394917-T-C.
Other names: c.10766A>G, p.Glu3589Gly (NM_001144769.5); c.10352A>G, p.Glu3451Gly (NM_001144770.2); c.17123A>G, p.Glu5708Gly (NM_001374722.1); c.16490A>G, p.Glu5497Gly (NM_001374729.1); c.10232A>G, p.Glu3411Gly (NM_001374730.1, NM_183380.4); c.17150A>G, p.Glu5717Gly (NM_001374734.1); c.9254A>G, p.Glu3085Gly (NM_015548.5); short protein forms E3085G, E5497G, E5708G, E3451G, E5717G, E3411G, E3589G.
Identifiers: ClinVar variation 965417 (VCV000965417.10), dbSNP rs894146699, ClinGen allele CA139190735.